The following is an entry in ClinVar:

NM_005996.4(TBX3):c.2075C>T (p.Ala692Val)

Gene: TBX3 (T-box transcription factor 3; minus strand). Cytogenetic location: 12q24.21.
Variant type: single nucleotide variant.
Coding change: c.2075C>T on transcript NM_005996.4 (MANE Select); coding-DNA position 2075, C replaced by T.
Protein change: p.Ala692Val; replaces alanine 692 with valine.
Molecular consequence: missense variant.
Genome position (GRCh38, 1-based): chr12:114,671,938, G>A on the plus strand (C>T on the coding strand, the complement: TBX3 is on the minus strand). VCF-style: chr12-114671938-G-A. GRCh37 (hg19) VCF-style: chr12-115109743-G-A.
Other names: c.2135C>T, p.Ala712Val (NM_016569.4); c.2135C>T (NM_016569.3); short protein forms A712V, A692V.
Identifiers: ClinVar variation 4762294 (VCV004762294.2).

ClinVar aggregate classification (germline): Uncertain significance. Review status: criteria provided, multiple submitters, no conflicts (2 of 4 stars). 2 submissions from 2 submitters: Uncertain significance (2). Last evaluated 2026-06-03.

Conditions:
TBX3-related disorder. Also called: TBX3-related condition.
Ulnar-mammary syndrome (UMS). Also called: SCHINZEL SYNDROME; Ulnar-mammary syndrome of Pallister; PALLISTER ULNAR-MAMMARY SYNDROME. Identifiers: Orphanet 3138, MedGen C1866994, MONDO:0008411, OMIM 181450.

Submissions (2):

PreventionGenetics, part of Exact Sciences
Classification: Uncertain significance for TBX3-related condition. Last evaluated: 2026-06-03. Review status: criteria provided, single submitter. Criteria: ACMG Guidelines, 2015. Collection method: clinical testing. Allele origin: germline.
Comment: The TBX3 c.2135C>T variant is predicted to result in the amino acid substitution p.Ala712Val. To our knowledge, this variant has not been reported in the literature or in a large population database (gnomAD), indicating this variant is rare. At this time, the clinical significance of this variant is uncertain due to the absence of conclusive functional and genetic evidence.

Labcorp Genetics (formerly Invitae), Labcorp
Classification: Uncertain significance for Ulnar-mammary syndrome. Last evaluated: 2025-08-01. Review status: criteria provided, single submitter. Criteria: Invitae Variant Classification Sherloc (09022015). Collection method: clinical testing. Allele origin: germline.
Comment: This sequence change replaces alanine, which is neutral and non-polar, with valine, which is neutral and non-polar, at codon 692 of the TBX3 protein (p.Ala692Val). This variant is not present in population databases (gnomAD no frequency). This variant has not been reported in the literature in individuals affected with TBX3-related conditions. An algorithm developed to predict the effect of missense changes on protein structure and function (PolyPhen-2) suggests that this variant is likely to be tolerated. In summary, the available evidence is currently insufficient to determine the role of this variant in disease. Therefore, it has been classified as a Variant of Uncertain Significance.